The following is an entry in ClinVar:

ClinVar aggregate classification (germline): Uncertain significance (1 of 4 stars; one submission).

Conditions:
Hereditary spastic paraplegia 11. Also called: SPASTIC PARAPLEGIA, AUTOSOMAL RECESSIVE, COMPLICATED, WITH THIN CORPUS CALLOSUM; SPASTIC PARAPLEGIA, AUTOSOMAL RECESSIVE, WITH MENTAL IMPAIRMENT AND THIN CORPUS CALLOSUM; Spastic Paraplegia 11; Spastic paraplegia, mental retardation and thin corpus callosum; Nakamura Osame syndrome; Autosomal recessive hereditary spastic paraplegia, mental impairment, and thin corpus callosum. Identifiers: Orphanet 2822, MedGen C1858479, MONDO:0011445, OMIM 604360.

Allele frequency attached by ClinVar (database versions not stated): gnomAD exomes below 0.00001; TOPMed below 0.00001; gnomAD 0.00001.
gnomAD v4.1: 3 of 1,613,930 alleles (0.00019%); highest among the groups gnomAD compares: African/African-American, 0.004%; no homozygotes.

Submission:

Labcorp Genetics (formerly Invitae), Labcorp
Classification: Uncertain significance for Hereditary spastic paraplegia 11. Last evaluated: 2020-10-30. Review status: criteria provided, single submitter. Criteria: Invitae Variant Classification Sherloc (09022015). Collection method: clinical testing. Allele origin: germline.
Comment: In summary, the available evidence is currently insufficient to determine the role of this variant in disease. Therefore, it has been classified as a Variant of Uncertain Significance. Algorithms developed to predict the effect of missense changes on protein structure and function are either unavailable or do not agree on the potential impact of this missense change (SIFT: "Deleterious"; PolyPhen-2: "Probably Damaging"; Align-GVGD: "Class C0"). This variant has not been reported in the literature in individuals with SPG11-related conditions. This variant is not present in population databases (ExAC no frequency). This sequence change replaces valine with methionine at codon 1111 of the SPG11 protein (p.Val1111Met). The valine residue is highly conserved and there is a small physicochemical difference between valine and methionine.

NM_025137.4(SPG11):c.3331G>A (p.Val1111Met)

Gene: SPG11 (SPG11 vesicle trafficking associated, spatacsin; minus strand). Cytogenetic location: 15q21.1.
Variant type: single nucleotide variant.
Coding change: c.3331G>A on transcript NM_025137.4 (MANE Select); coding-DNA position 3331, G replaced by A.
Protein change: p.Val1111Met; replaces valine 1111 with methionine.
Molecular consequence: missense variant.
Genome position (GRCh38, 1-based): chr15:44,608,566, C>T on the plus strand (G>A on the coding strand, the complement: SPG11 is on the minus strand). VCF-style: chr15-44608566-C-T. GRCh37 (hg19) VCF-style: chr15-44900764-C-T.
Other names: c.3331G>A, p.Val1111Met (NM_001160227.2); short protein forms V1111M.
Identifiers: ClinVar variation 1014311 (VCV001014311.8), dbSNP rs1291873470, ClinGen allele CA392225033.